The following is an entry in ClinVar:

NM_007347.5(AP4E1):c.2336C>A (p.Thr779Lys)

Gene: AP4E1 (adaptor related protein complex 4 subunit epsilon 1; plus strand). Cytogenetic location: 15q21.2.
Variant type: single nucleotide variant.
Coding change: c.2336C>A on transcript NM_007347.5 (MANE Select); coding-DNA position 2336, C replaced by A.
Protein change: p.Thr779Lys; replaces threonine 779 with lysine.
Molecular consequence: missense variant.
Genome position (GRCh38, 1-based): chr15:50,993,615, C>A. VCF-style: chr15-50993615-C-A. GRCh37 (hg19) VCF-style: chr15-51285812-C-A.
Other names: c.2111C>A, p.Thr704Lys (NM_001252127.2); short protein forms T704K, T779K.
Identifiers: ClinVar variation 1353995 (VCV001353995.8), dbSNP rs2140928674, ClinGen allele CA392419730.
Genomic context (GRCh38, chr15:50,993,615, plus strand): 5'-AGGAGAAAGAAAAGCAGCTGCTGGCATCATCATTATTTGTTGGTCTAGGATCAGAAAGTA[C>A]AATCAACCTGGTAAGTAATCGGTTCTATTCCTGTAAGAATCTTTGTCATCTGTCTGTACA-3'
Protein context (NP_031373.2, residues 769-789): SLFVGLGSES[Thr779Lys]INLLGKADTV

ClinVar aggregate classification (germline): Uncertain significance (1 of 4 stars; one submission).

Conditions:
Spastic paraplegia. Identifiers: MedGen C0037772, HP:0001258.

Submission:

Labcorp Genetics (formerly Invitae), Labcorp
Classification: Uncertain significance for Spastic paraplegia. Last evaluated: 2022-11-22. Review status: criteria provided, single submitter. Criteria: Invitae Variant Classification Sherloc (09022015). Collection method: clinical testing. Allele origin: germline.
Comment: In summary, the available evidence is currently insufficient to determine the role of this variant in disease. Therefore, it has been classified as a Variant of Uncertain Significance. Algorithms developed to predict the effect of missense changes on protein structure and function are either unavailable or do not agree on the potential impact of this missense change (SIFT: "Deleterious"; PolyPhen-2: "Benign"; Align-GVGD: "Class C0"). ClinVar contains an entry for this variant (Variation ID: 1353995). This variant has not been reported in the literature in individuals affected with AP4E1-related conditions. This variant is not present in population databases (gnomAD no frequency). This sequence change replaces threonine, which is neutral and polar, with lysine, which is basic and polar, at codon 779 of the AP4E1 protein (p.Thr779Lys).